The following is an entry in ClinVar:

ClinVar aggregate classification (germline): Likely pathogenic. Review status: criteria provided, multiple submitters, no conflicts (2 of 4 stars). 4 submissions from 4 submitters: Likely pathogenic (3). 1 of the submissions does not count toward it. Last evaluated 2024-02-05.

Conditions:
Early-infantile DEE. Also called: Early infantile epileptic encephalopathy; Early infantile epileptic encephalopathy with suppression bursts; Ohtahara syndrome. Identifiers: Orphanet 1934, MedGen C0393706, MONDO:0800491.
Severe myoclonic epilepsy in infancy (DRVT). Also called: SEVERE MYOCLONIC EPILEPSY OF INFANCY; DEVELOPMENTAL AND EPILEPTIC ENCEPHALOPATHY 6A; Severe Myoclonic Epilepsy in Infancy (SMEI); Dravet syndrome; Epileptic encephalopathy, early infantile, 6 (Dravet syndrome). Identifiers: Orphanet 33069, MedGen C0751122, MONDO:0100135, OMIM 607208.

Submissions (4):

Labcorp Genetics (formerly Invitae), Labcorp
Classification: Likely pathogenic for Early-infantile DEE. Last evaluated: 2024-02-05. Review status: criteria provided, single submitter. Criteria: Invitae Variant Classification Sherloc (09022015). Collection method: clinical testing. Allele origin: germline.
Comment: This sequence change replaces threonine, which is neutral and polar, with isoleucine, which is neutral and non-polar, at codon 112 of the SCN1A protein (p.Thr112Ile). This variant is not present in population databases (gnomAD no frequency). This missense change has been observed in individual(s) with clinical features of autosomal dominant SCN1A-related conditions (PMID: 12566275; Invitae). ClinVar contains an entry for this variant (Variation ID: 68615). Advanced modeling of protein sequence and biophysical properties (such as structural, functional, and spatial information, amino acid conservation, physicochemical variation, residue mobility, and thermodynamic stability) performed at Invitae indicates that this missense variant is expected to disrupt SCN1A protein function with a positive predictive value of 80%. In summary, the currently available evidence indicates that the variant is pathogenic, but additional data are needed to prove that conclusively. Therefore, this variant has been classified as Likely Pathogenic.

3billion
Classification: Likely pathogenic for Severe myoclonic epilepsy in infancy. Last evaluated: 2023-10-16. Review status: criteria provided, single submitter. Criteria: ACMG Guidelines, 2015. Collection method: clinical testing. Allele origin: germline. Affected: yes.
Comment: The variant is not observed in the gnomAD v2.1.1 dataset. Predicted Consequence/Location: Missense variant In silico tool predictions suggest damaging effect of the variant on gene or gene product [REVEL: 0.77 (>=0.6, sensitivity 0.68 and specificity 0.92); 3Cnet: 0.99 (>=0.6, sensitivity 0.72 and precision 0.9)]. Same nucleotide change resulting in same amino acid change has been previously reported as pathogenic/likely pathogenic with strong evidence (ClinVar ID: VCV000068615 /PMID: 12566275). Therefore, this variant is classified as Likely pathogenic according to the recommendation of ACMG/AMP guideline.

Center for Pediatric Genomic Medicine, Children's Mercy Hospital and Clinics
Classification: Likely pathogenic. Last evaluated: 2017-01-10. Review status: criteria provided, single submitter. Criteria: ACMG Guidelines, 2015. Collection method: clinical testing. Allele origin: de novo.

UniProtKB/Swiss-Prot
No classification provided. Condition: Severe myoclonic epilepsy in infancy. Review status: no classification provided. Collection method: not provided. Allele origin: germline. Not counted in ClinVar's aggregate classification.

Literature cited by the submitters: PubMed 12566275 (cited by Labcorp Genetics (formerly Invitae), Labcorp and 3billion).

NM_001165963.4(SCN1A):c.335C>T (p.Thr112Ile)

Gene: SCN1A (sodium voltage-gated channel alpha subunit 1; minus strand). Cytogenetic location: 2q24.3.
Variant type: single nucleotide variant.
Coding change: c.335C>T on transcript NM_001165963.4 (MANE Select); coding-DNA position 335, C replaced by T.
Protein change: p.Thr112Ile; replaces threonine 112 with isoleucine.
Molecular consequence: missense variant. On other transcripts: 5 prime UTR variant (1), non-coding transcript variant (1).
Genome position (GRCh38, 1-based): chr2:166,058,618, G>A on the plus strand (C>T on the coding strand, the complement: SCN1A is on the minus strand). VCF-style: chr2-166058618-G-A. GRCh37 (hg19) VCF-style: chr2-166915128-G-A.
Other names: c.335C>T, p.Thr112Ile (NM_001165964.3, NM_001202435.3, NM_001353948.2 and 10 more transcripts); c.-2091C>T (NM_001353961.2); short protein forms T112I.
Identifiers: ClinVar variation 68615 (VCV000068615.10), dbSNP rs121918745, ClinGen allele CA285126.
Genomic context (GRCh38, chr2:166,058,618, plus strand): 5'-GAAAAAGGATATGAATGTACCAAAATCTTAATAGCTATTTTCCTAAGAGGATTGAAGGGA[G>A]TTAAAATGTACAGGGCAGAGGTGGCACTGAACCGGAAGATGGCCTTCCCTTTATTCAATA-3'
Protein context (NP_001159435.1, residues 102-122): FSATSALYIL[Thr112Ile]PFNPLRKIAI